The following is an entry in ClinVar:

ClinVar aggregate classification (germline): Likely benign (1 of 4 stars; one submission).

Conditions:
ANKRD1-related disorder. Also called: ANKRD1-related condition.

gnomAD v4.1: 237 of 160,646 alleles (0.15%); highest among the groups gnomAD compares: Middle Eastern, 0.62%; no homozygotes.

Submission:

PreventionGenetics, part of Exact Sciences
Classification: Likely benign for ANKRD1-related condition. Last evaluated: 2025-08-27. Review status: criteria provided, single submitter. Criteria: ACMG Guidelines, 2015. Collection method: clinical testing. Allele origin: germline.
Comment: This variant is classified as likely benign based on ACMG/AMP sequence variant interpretation guidelines (Richards et al. 2015 PMID: 25741868, with internal and published modifications).

NM_014391.3(ANKRD1):c.346-23A>T

Gene: ANKRD1 (ankyrin repeat domain 1; minus strand). Cytogenetic location: 10q23.31.
Variant type: single nucleotide variant.
Coding change: c.346-23A>T on transcript NM_014391.3 (MANE Select); 23 bases into the intron before coding-DNA position 346, A replaced by T.
Molecular consequence: intron variant.
Genome position (GRCh38, 1-based): chr10:90,918,995, T>A on the plus strand (A>T on the coding strand, the complement: ANKRD1 is on the minus strand). VCF-style: chr10-90918995-T-A. GRCh37 (hg19) VCF-style: chr10-92678752-T-A.
Identifiers: ClinVar variation 4979533 (VCV004979533.1).
Genomic context (GRCh38, chr10:90,918,995, plus strand): 5'-GCAGCCTTCAGAAACGTAGGCACATCCACAGGTTCCGTCTAAAGCCAAAATAAATAAATA[T>A]ATATATATATATATATATATAGCATGAGAGTTACCGTGAGCTTGCCAGCATTCAATCAAA-3'